The following is an entry in ClinVar:

NM_001201397.2(EDNRB):c.11G>C (p.Ser4Thr)

Genes: EDNRB (endothelin receptor type B; minus strand), LOC107882129 (EDNRB proximal promoter region; plus strand). Cytogenetic location: 13q22.3.
Variant type: single nucleotide variant.
Coding change: c.11G>C on transcript NM_001201397.2; coding-DNA position 11, G replaced by C.
Protein change: p.Ser4Thr; replaces serine 4 with threonine.
Molecular consequence: missense variant. On other transcripts: intron variant (1).
Genome position (GRCh38, 1-based): chr13:77,919,605, C>G on the plus strand (G>C on the coding strand, the complement: EDNRB is on the minus strand). VCF-style: chr13-77919605-C-G. GRCh37 (hg19) VCF-style: chr13-78493740-C-G.
Other names: c.-51-981G>C (NM_000115.5); short protein forms S4T.
Identifiers: ClinVar variation 505270 (VCV000505270.7), dbSNP rs201115708, ClinGen allele CA7012488.
Genomic context (GRCh38, chr13:77,919,605, plus strand): 5'-AATGCCAGACAGTGTAGCCTCCACCGTTTGCTCGGGGTCTCTGCTGCCATCAGACAAGTA[C>G]TTTTATTCATTCATCCCTTCCCATCAATCACCGCCAGACTCCTCCCGCGCCTTCCGACCC-3'

ClinVar aggregate classification (germline): Uncertain significance. Review status: criteria provided, multiple submitters, no conflicts (2 of 4 stars). 3 submissions from 3 submitters: Uncertain significance (3). Last evaluated 2026-03-09.

Conditions:
EDNRB-related disorder. Also called: EDNRB-related condition; EDNRB-related disorders.

Allele frequency attached by ClinVar (database versions not stated): ExAC 0.00009; gnomAD 0.00014 and 0.00012; TOPMed 0.00019; gnomAD exomes 0.00009.
gnomAD v4.1: 149 of 1,606,406 alleles (0.0093%); highest among the groups gnomAD compares: Middle Eastern, 0.15%; no homozygotes.

Submissions (3):

PreventionGenetics, part of Exact Sciences
Classification: Uncertain significance for EDNRB-related condition. Last evaluated: 2026-03-09. Review status: criteria provided, single submitter. Criteria: ACMG Guidelines, 2015. Collection method: clinical testing. Allele origin: germline.
Comment: The EDNRB c.11G>C variant is predicted to result in the amino acid substitution p.Ser4Thr. To our knowledge, this variant has not been reported in the literature. This variant is reported in 0.023% of alleles in individuals of Latino descent in gnomAD. At this time, the clinical significance of this variant is uncertain due to the absence of conclusive functional and genetic evidence.

Laboratory for Molecular Medicine, Mass General Brigham Personalized Medicine
Classification: Uncertain significance. Last evaluated: 2016-08-04. Review status: criteria provided, single submitter. Criteria: LMM Criteria. Collection method: clinical testing. Allele origin: germline. Observed: 1 variant allele.
Comment: The p.Ser4Thr variant in EDNRB has not been previously reported in individuals w ith hearing loss or Waardenburg syndrome, but has been identified in 6/51196 of European chromosomes and 2/8742 of Latino chromosomes by the Exome Aggregation C onsortium (ExAC; dbSNP rs201115708). Although th is variant has been seen in the general population, its frequency is not high en ough to rule out a pathogenic role. Computational prediction tools and conservat ion analysis do not provide strong support for or against an impact to the prote in. In summary, the clinical significance of the p.Ser4Thr variant is uncertain.

Breakthrough Genomics
Classification: Uncertain significance. Review status: criteria provided, single submitter. Criteria: ACMG Guidelines, 2015. Collection method: not provided. Allele origin: germline. Inheritance: Autosomal recessive inheritance. Affected: yes.